The following is an entry in ClinVar:

ClinVar aggregate classification (germline): Uncertain significance (1 of 4 stars; one submission).

gnomAD v4.1: 7 of 1,613,962 alleles (0.00043%); highest among the groups gnomAD compares: Admixed American, 0.0017%; no homozygotes.

Submission:

Labcorp Genetics (formerly Invitae), Labcorp
Classification: Uncertain significance. Last evaluated: 2026-01-24. Review status: criteria provided, single submitter. Criteria: Invitae Variant Classification Sherloc (09022015). Collection method: clinical testing. Allele origin: germline.
Comment: This sequence change replaces arginine, which is basic and polar, with histidine, which is basic and polar, at codon 1227 of the NLRP1 protein (p.Arg1227His). This variant is present in population databases (rs201034105, gnomAD 0.003%). This variant has not been reported in the literature in individuals affected with NLRP1-related conditions. An algorithm developed to predict the effect of missense changes on protein structure and function outputs the following: PolyPhen-2: "Benign". The histidine amino acid residue is found in multiple mammalian species, which suggests that this missense change does not adversely affect protein function. In summary, the available evidence is currently insufficient to determine the role of this variant in disease. Therefore, it has been classified as a Variant of Uncertain Significance.

NM_033004.4(NLRP1):c.3680G>A (p.Arg1227His)

Gene: NLRP1 (NLR family pyrin domain containing 1; minus strand). Cytogenetic location: 17p13.2.
Variant type: single nucleotide variant.
Coding change: c.3680G>A on transcript NM_033004.4 (MANE Select); coding-DNA position 3680, G replaced by A.
Protein change: p.Arg1227His; replaces arginine 1227 with histidine.
Molecular consequence: missense variant.
Genome position (GRCh38, 1-based): chr17:5,521,627, C>T on the plus strand (G>A on the coding strand, the complement: NLRP1 is on the minus strand). VCF-style: chr17-5521627-C-T. GRCh37 (hg19) VCF-style: chr17-5424947-C-T.
Other names: c.3692G>A, p.Arg1231His (NM_001033053.3); c.3680G>A, p.Arg1227His (NM_014922.5); c.3590G>A, p.Arg1197His (NM_033006.4, NM_033007.4); short protein forms R1227H, R1197H, R1231H.
Identifiers: ClinVar variation 4761282 (VCV004761282.1).
Genomic context (GRCh38, chr17:5,521,627, plus strand): 5'-GTGACTTCCTCAGGATGGACGCGGTGGTAAAGCAACACCACAGAGGTGACGGGAATGAAG[C>T]GCAGGGCATTATGGATCATTTTCAGGAGGACTCCCAAGGGGGAGAAGCTGGGGTTTTCCA-3'
Protein context (NP_127497.1, residues 1217-1237): VLLKMIHNAL[Arg1227His]FIPVTSVVLL